The following is an entry in ClinVar:

NM_001378452.1(ITPR1):c.7630G>A (p.Val2544Ile)

Genes: ITPR1 (inositol 1,4,5-trisphosphate receptor type 1; plus strand), LOC126806590 (MED14-independent group 3 enhancer GRCh37_chr3:4855759-4856958; plus strand). Cytogenetic location: 3p26.1.
Variant type: single nucleotide variant.
Coding change: c.7630G>A on transcript NM_001378452.1 (MANE Select); coding-DNA position 7630, G replaced by A.
Protein change: p.Val2544Ile; replaces valine 2544 with isoleucine.
Molecular consequence: missense variant.
Genome position (GRCh38, 1-based): chr3:4,814,491, G>A. VCF-style: chr3-4814491-G-A. GRCh37 (hg19) VCF-style: chr3-4856175-G-A.
Other names: c.7441G>A (NM_002222.5); c.7486G>A, p.Val2496Ile (NM_001099952.4); c.7585G>A, p.Val2529Ile (NM_001168272.2); c.7441G>A, p.Val2481Ile (NM_002222.7); short protein forms V2529I, V2496I, V2481I, V2544I.
Identifiers: ClinVar variation 586055 (VCV000586055.31), dbSNP rs371726673, ClinGen allele CA2232923.

ClinVar aggregate classification (germline): Uncertain significance. Review status: criteria provided, multiple submitters, no conflicts (2 of 4 stars). 6 submissions from 6 submitters: Uncertain significance (6). Last evaluated 2025-05-11.

Conditions:
Inborn genetic diseases. Identifiers: MedGen C0950123, MeSH D030342.

Allele frequency attached by ClinVar (database versions not stated): ExAC 0.00002; gnomAD exomes 0.00003; TOPMed 0.00005; gnomAD 0.00006; ESP Exome Variant Server 0.00008.
gnomAD v4.1: 57 of 1,612,786 alleles (0.0035%); highest among the groups gnomAD compares: Non-Finnish European, 0.0047%; no homozygotes.

Submissions (6):

Labcorp Genetics (formerly Invitae), Labcorp
Classification: Uncertain significance. Last evaluated: 2025-05-11. Review status: criteria provided, single submitter. Criteria: Invitae Variant Classification Sherloc (09022015). Collection method: clinical testing. Allele origin: germline.
Comment: This sequence change replaces valine, which is neutral and non-polar, with isoleucine, which is neutral and non-polar, at codon 2481 of the ITPR1 protein (p.Val2481Ile). This variant is present in population databases (rs371726673, gnomAD 0.007%). This variant has not been reported in the literature in individuals affected with ITPR1-related conditions. ClinVar contains an entry for this variant (Variation ID: 586055). Invitae Evidence Modeling of protein sequence and biophysical properties (such as structural, functional, and spatial information, amino acid conservation, physicochemical variation, residue mobility, and thermodynamic stability) indicates that this missense variant is not expected to disrupt ITPR1 protein function with a negative predictive value of 95%. In summary, the available evidence is currently insufficient to determine the role of this variant in disease. Therefore, it has been classified as a Variant of Uncertain Significance.

Athena Diagnostics
Classification: Uncertain significance. Last evaluated: 2025-01-08. Review status: criteria provided, single submitter. Criteria: Athena Diagnostics Criteria. Collection method: clinical testing. Allele origin: unknown.
Comment: Available data are insufficient to determine the clinical significance of the variant at this time. The frequency of this variant in the general population is uninformative in assessment of its pathogenicity. Polyphen and MutationTaster predict this amino acid change may be benign.

CeGaT Center for Human Genetics Tuebingen
Classification: Uncertain significance. Last evaluated: 2024-04-01. Review status: criteria provided, single submitter. Criteria: CeGaT Center For Human Genetics Tuebingen Variant Classification Criteria Version 2. Collection method: clinical testing. Allele origin: germline. Affected: yes. Observed: 1 variant allele.
Comment: ITPR1: PP3

Women's Health and Genetics/Laboratory Corporation of America, LabCorp
Classification: Uncertain significance. Last evaluated: 2023-02-02. Review status: criteria provided, single submitter. Criteria: LabCorp Variant Classification Summary - May 2015. Collection method: clinical testing. Allele origin: germline.
Comment: Variant summary: ITPR1 c.7441G>A (p.Val2481Ile) results in a conservative amino acid change located in the ion transport domain (IPR005821) of the encoded protein sequence. Three of five in-silico tools predict a benign effect of the variant on protein function. The variant allele was found at a frequency of 3.2e-05 (i.e. in 8 carriers) in 249294 control chromosomes (gnomAD v2.1 exomes dataset). The available data on variant occurrences in the general population are insufficient to allow clear conclusions about variant significance, although it suggests that the variant is likely not associated with a high penetrance, early onset disease phenotype. To our knowledge, no occurrence of c.7441G>A in individuals affected with Spinocerebellar Ataxia 29 and no experimental evidence demonstrating its impact on protein function have been reported. Two clinical diagnostic laboratories have submitted clinical-significance assessments for this variant to ClinVar after 2014, and both laboratories classified the variant as uncertain significance. Based on the evidence outlined above, the variant was classified as VUS-possibly benign.

Ambry Genetics
Classification: Uncertain significance for Inborn genetic diseases. Last evaluated: 2021-12-14. Review status: criteria provided, single submitter. Criteria: Ambry Variant Classification Scheme 2023. Collection method: clinical testing. Allele origin: germline.

GeneDx
Classification: Uncertain significance. Last evaluated: 2019-12-04. Review status: criteria provided, single submitter. Criteria: GeneDx Variant Classification Process June 2021. Collection method: clinical testing. Allele origin: germline. Affected: yes.
Comment: Not observed at a significant frequency in large population cohorts (Lek et al., 2016); In silico analysis, which includes protein predictors and evolutionary conservation, supports that this variant does not alter protein structure/function; Has not been previously published as pathogenic or benign to our knowledge